The following is an entry in ClinVar:

NM_144997.7(FLCN):c.250G>A (p.Gly84Ser)

Gene: FLCN (folliculin; minus strand). Cytogenetic location: 17p11.2.
Variant type: single nucleotide variant.
Coding change: c.250G>A on transcript NM_144997.7 (MANE Select); coding-DNA position 250, G replaced by A.
Protein change: p.Gly84Ser; replaces glycine 84 with serine.
Molecular consequence: missense variant.
Genome position (GRCh38, 1-based): chr17:17,226,322, C>T on the plus strand (G>A on the coding strand, the complement: FLCN is on the minus strand). VCF-style: chr17-17226322-C-T. GRCh37 (hg19) VCF-style: chr17-17129636-C-T.
Other names: c.250G>A, p.Gly84Ser (NM_001353229.2, NM_001353230.2, NM_001353231.2 and 1 more transcripts); short protein forms G84S.
Identifiers: ClinVar variation 4701305 (VCV004701305.1).

ClinVar aggregate classification (germline): Uncertain significance (1 of 4 stars; one submission).

Conditions:
Birt-Hogg-Dube syndrome. Also called: Birt Hogg Dubé syndrome. Identifiers: Orphanet 122, MedGen C0346010, MONDO:0800444.

Submission:

Labcorp Genetics (formerly Invitae), Labcorp
Classification: Uncertain significance for Birt-Hogg-Dube syndrome. Last evaluated: 2025-02-27. Review status: criteria provided, single submitter. Criteria: Invitae Variant Classification Sherloc (09022015). Collection method: clinical testing. Allele origin: germline.
Comment: This sequence change replaces glycine, which is neutral and non-polar, with serine, which is neutral and polar, at codon 84 of the FLCN protein (p.Gly84Ser). This variant is not present in population databases (gnomAD no frequency). This variant has not been reported in the literature in individuals affected with FLCN-related conditions. An algorithm developed to predict the effect of missense changes on protein structure and function (PolyPhen-2) suggests that this variant is likely to be tolerated. In summary, the available evidence is currently insufficient to determine the role of this variant in disease. Therefore, it has been classified as a Variant of Uncertain Significance.